The following is an entry in ClinVar:

ClinVar aggregate classification (germline): Uncertain significance (1 of 4 stars; one submission).

gnomAD v4.1: 2 of 1,611,728 alleles (0.00012%); highest among the groups gnomAD compares: Non-Finnish European, 0.00017%; no homozygotes.

Submission:

GeneDx
Classification: Uncertain significance. Last evaluated: 2026-02-27. Review status: criteria provided, single submitter. Criteria: GeneDx Variant Classification Process June 2021. Collection method: clinical testing. Allele origin: germline.
Comment: Published functional studies suggest there is no damaging effect; however, further studies are needed to confirm this finding (PMID: 31754030); Reported as a de novo variant with confirmed parentage in one individual from a cohort of patients with autism; however, further clinical information was not provided (PMID: 36973392); Not observed at significant frequency in large population cohorts (gnomAD); In silico analysis supports that this missense variant has a deleterious effect on protein structure/function; This variant is associated with the following publications: (PMID: 31754030, 24066114, 36973392)

NM_017780.4(CHD7):c.7880G>A (p.Arg2627Gln)

Gene: CHD7 (chromodomain helicase DNA binding protein 7; plus strand). Cytogenetic location: 8q12.2.
Variant type: single nucleotide variant.
Coding change: c.7880G>A on transcript NM_017780.4 (MANE Select); coding-DNA position 7880, G replaced by A.
Protein change: p.Arg2627Gln; replaces arginine 2627 with glutamine.
Molecular consequence: missense variant.
Genome position (GRCh38, 1-based): chr8:60,862,245, G>A. VCF-style: chr8-60862245-G-A. GRCh37 (hg19) VCF-style: chr8-61774804-G-A.
Other names: c.1733G>A, p.Arg578Gln (NM_001316690.1); short protein forms R2627Q, R578Q.
Identifiers: ClinVar variation 4888200 (VCV004888200.1).